The following is an entry in ClinVar:

GRCh37/hg19 15q11.2(chr15:22750305-23226254)x3

Genes: CYFIP1 (cytoplasmic FMR1 interacting protein 1; minus strand), NIPA1 (NIPA magnesium transporter 1; plus strand), NIPA2 (NIPA magnesium transporter 2; plus strand), TUBGCP5 (tubulin gamma complex component 5; minus strand). Cytogenetic location: 15q11.2.
Variant type: copy number gain.
Change: copy number 3 (three copies instead of two) of chr15:22,750,305-23,226,254 (475.9 kb, GRCh37 coordinates, 1-based), cytogenetic band 15q11.2.
Identifiers: ClinVar variation 638109 (VCV000638109.2).

ClinVar aggregate classification (germline): Pathogenic (1 of 4 stars; one submission).

Submission:

Clinical Genomics Laboratory, Laboratory for Precision Diagnostics, University of Washington
Classification: Pathogenic. Last evaluated: 2018-08-14. Review status: criteria provided, single submitter. Criteria: Clinical Cytogenomics Laboratory Policy on CNV Interpretation. Collection method: clinical testing. Allele origin: unknown. Affected: yes. Observed: 1 variant allele.
Comment: A risk factor for neurocognitive abnormalities with low penetrance and variable expressivity.

Literature cited by the submitters: PubMed 22922608; PubMed 28588435; PubMed 21359847; PubMed 24821083; PubMed 27566550.